The following is an entry in ClinVar:

ClinVar aggregate classification (germline): Likely benign (1 of 4 stars; one submission).

gnomAD v4.1: 39 of 1,614,224 alleles (0.0024%); highest among the groups gnomAD compares: Middle Eastern, 0.033%; no homozygotes.

Submission:

CeGaT Center for Human Genetics Tuebingen
Classification: Likely benign. Last evaluated: 2024-12-01. Review status: criteria provided, single submitter. Criteria: CeGaT Center For Human Genetics Tuebingen Variant Classification Criteria Version 2. Collection method: clinical testing. Allele origin: germline. Affected: yes. Observed: 1 variant allele.
Comment: TRIO: BP4, BP7

NM_007118.4(TRIO):c.8874C>T (p.Phe2958=)

Gene: TRIO (trio Rho guanine nucleotide exchange factor; plus strand). Cytogenetic location: 5p15.2.
Variant type: single nucleotide variant.
Coding change: c.8874C>T on transcript NM_007118.4 (MANE Select); coding-DNA position 8874, C replaced by T.
Protein change: p.Phe2958=; no amino-acid change (phenylalanine 2958 retained).
Molecular consequence: synonymous variant. On other transcripts: non-coding transcript variant (1).
Genome position (GRCh38, 1-based): chr5:14,508,002, C>T. VCF-style: chr5-14508002-C-T. GRCh37 (hg19) VCF-style: chr5-14508111-C-T.
Identifiers: ClinVar variation 3770591 (VCV003770591.13).